The following is an entry in ClinVar:

ClinVar aggregate classification (germline): Uncertain significance (1 of 4 stars; one submission).

Conditions:
PGM1-congenital disorder of glycosylation. Also called: GLYCOGEN STORAGE DISEASE XIV; GSD XIV; CDG It; PHOSPHOGLUCOMUTASE 1 DEFICIENCY; PGM1 DEFICIENCY; Congenital disorder of glycosylation type 1t. Identifiers: Orphanet 319646, MedGen C2752015, MONDO:0013968, OMIM 614921.

Allele frequency attached by ClinVar (database versions not stated): gnomAD exomes below 0.00001.
gnomAD v4.1: 2 of 1,612,642 alleles (0.00012%); highest among the groups gnomAD compares: Admixed American, 0.0033%; no homozygotes.

Submission:

Labcorp Genetics (formerly Invitae), Labcorp
Classification: Uncertain significance for PGM1-congenital disorder of glycosylation. Last evaluated: 2022-11-08. Review status: criteria provided, single submitter. Criteria: Invitae Variant Classification Sherloc (09022015). Collection method: clinical testing. Allele origin: germline.
Comment: In summary, the available evidence is currently insufficient to determine the role of this variant in disease. Therefore, it has been classified as a Variant of Uncertain Significance. Advanced modeling of protein sequence and biophysical properties (such as structural, functional, and spatial information, amino acid conservation, physicochemical variation, residue mobility, and thermodynamic stability) performed at Invitae indicates that this missense variant is not expected to disrupt PGM1 protein function. This variant has not been reported in the literature in individuals affected with PGM1-related conditions. This variant is present in population databases (no rsID available, gnomAD 0.0009%). This sequence change replaces isoleucine, which is neutral and non-polar, with methionine, which is neutral and non-polar, at codon 202 of the PGM1 protein (p.Ile202Met).

NM_002633.3(PGM1):c.606C>G (p.Ile202Met)

Gene: PGM1 (phosphoglucomutase 1; plus strand). Cytogenetic location: 1p31.3.
Variant type: single nucleotide variant.
Coding change: c.606C>G on transcript NM_002633.3 (MANE Select); coding-DNA position 606, C replaced by G.
Protein change: p.Ile202Met; replaces isoleucine 202 with methionine.
Molecular consequence: missense variant.
Genome position (GRCh38, 1-based): chr1:63,631,706, C>G. VCF-style: chr1-63631706-C-G. GRCh37 (hg19) VCF-style: chr1-64097377-C-G.
Other names: c.660C>G, p.Ile220Met (NM_001172818.1); c.15C>G, p.Ile5Met (NM_001172819.2); short protein forms I202M, I5M, I220M.
Identifiers: ClinVar variation 2189622 (VCV002189622.2), dbSNP rs1437580886, ClinGen allele CA340648490.